The following is an entry in ClinVar:

ClinVar aggregate classification (germline): Uncertain significance (1 of 4 stars; one submission).

Conditions:
Marfan syndrome (MFS). Also called: MARFAN SYNDROME, TYPE I; Marfan syndrome type 1; Marfan's syndrome; Marfan syndrome, classic; FBN1-Related Marfan Syndrome. Identifiers: Orphanet 284963, Orphanet 558, MedGen C0024796, MONDO:0007947, OMIM 154700.

Submission:

All of Us Research Program, National Institutes of Health
Classification: Uncertain significance for Marfan syndrome. Last evaluated: 2023-03-04. Review status: criteria provided, single submitter. Criteria: ACMG Guidelines, 2015. Collection method: clinical testing. Allele origin: germline. Inheritance: Autosomal dominant inheritance. Observed: 1 variant allele, 1 heterozygote.
Comment: This study involves interpretation of variants in research participants for the purpose of population health screening. Participant phenotype was not available at the time of variant classification. Additional details can be found in publication PMID: 35346344, PMCID: PMC8962531

NM_000138.5(FBN1):c.4652A>T (p.Asn1551Ile)

Gene: FBN1 (fibrillin 1; minus strand). Cytogenetic location: 15q21.1.
Variant type: single nucleotide variant.
Coding change: c.4652A>T on transcript NM_000138.5 (MANE Select); coding-DNA position 4652, A replaced by T.
Protein change: p.Asn1551Ile; replaces asparagine 1551 with isoleucine.
Molecular consequence: missense variant.
Genome position (GRCh38, 1-based): chr15:48,468,033, T>A on the plus strand (A>T on the coding strand, the complement: FBN1 is on the minus strand). VCF-style: chr15-48468033-T-A. GRCh37 (hg19) VCF-style: chr15-48760230-T-A.
Other names: c.4652A>T, p.Asn1551Ile (NM_001406716.1); short protein forms N1551I.
Identifiers: ClinVar variation 3069467 (VCV003069467.1), dbSNP rs1311329975, ClinGen allele CA392353044.